The following is an entry in ClinVar:

NM_002474.3(MYH11):c.4676A>C (p.Glu1559Ala)

Genes: MYH11 (myosin heavy chain 11; minus strand), NDE1 (nudE neurodevelopment protein 1; plus strand). Cytogenetic location: 16p13.11.
Variant type: single nucleotide variant.
Coding change: c.4676A>C on transcript NM_002474.3 (MANE Select); coding-DNA position 4676, A replaced by C.
Protein change: p.Glu1559Ala; replaces glutamic acid 1559 with alanine.
Molecular consequence: missense variant. On other transcripts: intron variant (2).
Genome position (GRCh38, 1-based): chr16:15,720,954, T>G on the plus strand (A>C on the coding strand, the complement: MYH11 is on the minus strand). VCF-style: chr16-15720954-T-G. GRCh37 (hg19) VCF-style: chr16-15814811-T-G.
Other names: c.4697A>C, p.Glu1566Ala (NM_001040113.2, NM_001040114.2); c.4676A>C, p.Glu1559Ala (NM_022844.3); c.948-3237T>G (NM_001143979.2, NM_017668.3); short protein forms E1566A, E1559A.
Identifiers: ClinVar variation 4737038 (VCV004737038.2).

ClinVar aggregate classification (germline): Uncertain significance. Review status: criteria provided, multiple submitters, no conflicts (2 of 4 stars). 3 submissions from 3 submitters: Uncertain significance (3). Last evaluated 2026-01-27.

Conditions:
Aortic aneurysm, familial thoracic 4 (AAT4). Also called: AORTIC ANEURYSM/AORTIC DISSECTION AND PATENT DUCTUS ARTERIOSUS. Identifiers: MedGen C1851504, MONDO:0007568, OMIM 132900.
Familial thoracic aortic aneurysm and aortic dissection (TAAD). Also called: Thoracic aortic aneurysms and dissections. Identifiers: Orphanet 91387, MedGen C4707243, MONDO:0019625.

gnomAD v4.1: 4 of 1,614,072 alleles (0.00025%); highest among the groups gnomAD compares: Middle Eastern, 0.017%; no homozygotes.

Submissions (3):

Labcorp Genetics (formerly Invitae), Labcorp
Classification: Uncertain significance for Aortic aneurysm, familial thoracic 4. Last evaluated: 2026-01-27. Review status: criteria provided, single submitter. Criteria: Invitae Variant Classification Sherloc (09022015). Collection method: clinical testing. Allele origin: germline.
Comment: This sequence change replaces glutamic acid, which is acidic and polar, with alanine, which is neutral and non-polar, at codon 1566 of the MYH11 protein (p.Glu1566Ala). This variant is present in population databases (rs756906118, gnomAD 0.003%). This variant has not been reported in the literature in individuals affected with MYH11-related conditions. Invitae Evidence Modeling of protein sequence and biophysical properties (such as structural, functional, and spatial information, amino acid conservation, physicochemical variation, residue mobility, and thermodynamic stability) indicates that this missense variant is not expected to disrupt MYH11 protein function with a negative predictive value of 95%. In summary, the available evidence is currently insufficient to determine the role of this variant in disease. Therefore, it has been classified as a Variant of Uncertain Significance.

GeneDx
Classification: Uncertain significance. Last evaluated: 2025-09-30. Review status: criteria provided, single submitter. Criteria: GeneDx Variant Classification Process June 2021. Collection method: clinical testing. Allele origin: germline. Affected: yes.
Comment: Not observed at significant frequency in large population cohorts (gnomAD); In silico analysis supports that this missense variant has a deleterious effect on protein structure/function; Has not been previously published as pathogenic or benign to our knowledge

Color Diagnostics, LLC DBA Color Health
Classification: Uncertain significance for Familial thoracic aortic aneurysm and aortic dissection. Last evaluated: 2025-09-29. Review status: criteria provided, single submitter. Criteria: ACMG Guidelines, 2015. Collection method: clinical testing. Allele origin: germline.
Comment: This missense variant replaces glutamic acid with alanine at codon 1566 of the MYH11 protein. Computational prediction suggests that this variant may have deleterious impact on protein structure and function. To our knowledge, functional studies have not been reported for this variant. This variant has not been reported in individuals affected with MYH11-related disorders in the literature. This variant has been identified in 4/1461880 chromosomes in the general population by the Genome Aggregation Database (gnomAD). The available evidence is insufficient to determine the role of this variant in disease conclusively. Therefore, this variant is classified as a Variant of Uncertain Significance.